The following is an entry in ClinVar:

NM_006231.4(POLE):c.501G>T (p.Arg167Ser)

Gene: POLE (DNA polymerase epsilon, catalytic subunit; minus strand). Cytogenetic location: 12q24.33.
Variant type: single nucleotide variant.
Coding change: c.501G>T on transcript NM_006231.4 (MANE Select); coding-DNA position 501, G replaced by T.
Protein change: p.Arg167Ser; replaces arginine 167 with serine.
Molecular consequence: missense variant.
Genome position (GRCh38, 1-based): chr12:132,679,574, C>A on the plus strand (G>T on the coding strand, the complement: POLE is on the minus strand). VCF-style: chr12-132679574-C-A. GRCh37 (hg19) VCF-style: chr12-133256160-C-A.
Other names: short protein forms R167S.
Identifiers: ClinVar variation 1473673 (VCV001473673.9), dbSNP rs1555230088, ClinGen allele CA387367154.

ClinVar aggregate classification (germline): Uncertain significance. Review status: criteria provided, multiple submitters, no conflicts (2 of 4 stars). 2 submissions from 2 submitters: Uncertain significance (2). Last evaluated 2024-05-20.

Conditions:
Hereditary cancer-predisposing syndrome. Also called: Neoplastic Syndromes, Hereditary; Hereditary Cancer Syndrome; Tumor predisposition; Hereditary neoplastic syndrome. Identifiers: Orphanet 140162, MedGen C0027672, MeSH D009386, MONDO:0015356.

Submissions (2):

Ambry Genetics
Classification: Uncertain significance for Hereditary cancer-predisposing syndrome. Last evaluated: 2024-05-20. Review status: criteria provided, single submitter. Criteria: Ambry Variant Classification Scheme 2023. Collection method: clinical testing. Allele origin: germline.
Comment: The p.R167S variant (also known as c.501G>T), located in coding exon 6 of the POLE gene, results from a G to T substitution at nucleotide position 501. The arginine at codon 167 is replaced by serine, an amino acid with dissimilar properties. This amino acid position is conserved. In addition, this alteration is predicted to be tolerated by in silico analysis. Since supporting evidence is limited at this time, the clinical significance of this alteration remains unclear.

Labcorp Genetics (formerly Invitae), Labcorp
Classification: Uncertain significance. Last evaluated: 2024-02-20. Review status: criteria provided, single submitter. Criteria: Invitae Variant Classification Sherloc (09022015). Collection method: clinical testing. Allele origin: germline.
Comment: This sequence change replaces arginine, which is basic and polar, with serine, which is neutral and polar, at codon 167 of the POLE protein (p.Arg167Ser). This variant is not present in population databases (gnomAD no frequency). This variant has not been reported in the literature in individuals affected with POLE-related conditions. ClinVar contains an entry for this variant (Variation ID: 1473673). Advanced modeling of protein sequence and biophysical properties (such as structural, functional, and spatial information, amino acid conservation, physicochemical variation, residue mobility, and thermodynamic stability) performed at Invitae indicates that this missense variant is not expected to disrupt POLE protein function with a negative predictive value of 80%. In summary, the available evidence is currently insufficient to determine the role of this variant in disease. Therefore, it has been classified as a Variant of Uncertain Significance.